The following is an entry in ClinVar:

ClinVar aggregate classification (germline): Conflicting classifications of pathogenicity. Review status: criteria provided, conflicting classifications (1 of 4 stars). 6 submissions from 6 submitters: Uncertain significance (1); Benign (2); Likely benign (3). Last evaluated 2026-01-15.

Conditions:
Hereditary spherocytosis type 5. Also called: EPB42-Related Spherocytosis; EPB42-Related Hereditary Spherocytosis. Identifiers: Orphanet 822, MedGen C2675192, MONDO:0012985, OMIM 612690.

Allele frequency attached by ClinVar (database versions not stated): 1000 Genomes Project 0.00060; 1000 Genomes Project 30x 0.00094; gnomAD 0.00211 and 0.00225; TOPMed 0.00212; ESP Exome Variant Server 0.00315.
gnomAD v4.1: 5,038 of 1,614,182 alleles (0.31%); highest among the groups gnomAD compares: Non-Finnish European, 0.4%; 12 homozygotes.

Submissions (6):

Labcorp Genetics (formerly Invitae), Labcorp
Classification: Benign. Last evaluated: 2026-01-15. Review status: criteria provided, single submitter. Criteria: Invitae Variant Classification Sherloc (09022015). Collection method: clinical testing. Allele origin: germline.

CeGaT Center for Human Genetics Tuebingen
Classification: Likely benign. Last evaluated: 2025-09-01. Review status: criteria provided, single submitter. Criteria: CeGaT Center For Human Genetics Tuebingen Variant Classification Criteria Version 2. Collection method: clinical testing. Allele origin: germline. Affected: yes. Observed: 4 variant alleles.
Comment: EPB42: BP4, BP7

Mayo Clinic Laboratories, Mayo Clinic
Classification: Likely benign. Last evaluated: 2025-07-30. Review status: criteria provided, single submitter. Criteria: ACMG Guidelines, 2015. Collection method: clinical testing. Allele origin: germline. Observed: 10 variant alleles.

ARUP Laboratories, Molecular Genetics and Genomics, ARUP Laboratories
Classification: Benign for Hereditary spherocytosis type 5. Last evaluated: 2025-05-02. Review status: criteria provided, single submitter. Criteria: ARUP Molecular Germline Variant Investigation Process 2024. Collection method: clinical testing. Allele origin: germline.

Illumina Laboratory Services, Illumina
Classification: Uncertain significance for Hereditary spherocytosis type 5. Last evaluated: 2018-01-12. Review status: criteria provided, single submitter. Criteria: ICSL Variant Classification Criteria 13 December 2019. Collection method: clinical testing. Allele origin: germline.

PreventionGenetics, part of Exact Sciences
Classification: Likely benign. Review status: criteria provided, single submitter. Criteria: ACMG Guidelines, 2015. Collection method: clinical testing. Allele origin: germline.

NM_001114134.2(EPB42):c.894C>T (p.Thr298=)

Gene: EPB42 (erythrocyte membrane protein band 4.2; minus strand). Cytogenetic location: 15q15.2.
Variant type: single nucleotide variant.
Coding change: c.894C>T on transcript NM_001114134.2 (MANE Select); coding-DNA position 894, C replaced by T.
Protein change: p.Thr298=; no amino-acid change (threonine 298 retained).
Molecular consequence: synonymous variant.
Genome position (GRCh38, 1-based): chr15:43,208,714, G>A on the plus strand (C>T on the coding strand, the complement: EPB42 is on the minus strand). VCF-style: chr15-43208714-G-A. GRCh37 (hg19) VCF-style: chr15-43500912-G-A.
Other names: p.Thr328=; c.984C>T, p.Thr328= (NM_000119.3).
Identifiers: ClinVar variation 255158 (VCV000255158.46), dbSNP rs35719500, ClinGen allele CA7520469.